The following is an entry in ClinVar:

NM_016222.4(DDX41):c.298+2T>G

Gene: DDX41 (DEAD-box helicase 41; minus strand). Cytogenetic location: 5q35.3.
Variant type: single nucleotide variant.
Coding change: c.298+2T>G on transcript NM_016222.4 (MANE Select); the canonical splice donor site of the intron after coding-DNA position 298, T replaced by G.
Molecular consequence: splice donor variant.
Genome position (GRCh38, 1-based): chr5:177,516,286, A>C on the plus strand (T>G on the coding strand, the complement: DDX41 is on the minus strand). VCF-style: chr5-177516286-A-C. GRCh37 (hg19) VCF-style: chr5-176943287-A-C.
Other names: c.-81+2T>G (NM_001321830.2, NM_001321732.2).
Identifiers: ClinVar variation 4010369 (VCV004010369.1).
Genomic context (GRCh38, chr5:177,516,286, plus strand): 5'-ACCAAAACGGTGTACCAGGCTCAGCTTCTTCTTTCTCGCCCAGGCAGTGCTGCCCAGCCC[A>C]CCTTCAGCCTTCTCTTTAAGGTGCTGGTGCTGATCCAGGAGGCTGACGTTGGACTGAGGG-3'

ClinVar aggregate classification (germline): Likely pathogenic (1 of 4 stars; one submission).

Conditions:
Inborn genetic diseases. Identifiers: MedGen C0950123, MeSH D030342.

Submission:

Ambry Genetics
Classification: Likely pathogenic for Inborn genetic diseases. Last evaluated: 2025-06-09. Review status: criteria provided, single submitter. Criteria: Ambry Variant Classification Scheme 2023. Collection method: clinical testing. Allele origin: germline.
Comment: The c.298+2T>G intronic variant results from a T to G substitution two nucleotides after coding exon 3 in the DDX41 gene. This nucleotide position is highly conserved in available vertebrate species. In silico splice site analysis predicts that this alteration will weaken the native splice donor site; however, direct evidence is insufficient at this time (Ambry internal data). This variant is considered to be rare based on population cohorts in the Genome Aggregation Database (gnomAD). Alterations that disrupt the canonical splice site are expected to cause aberrant splicing, resulting in an abnormal protein or a transcript that is subject to nonsense-mediated mRNA decay. As such, this alteration is classified as likely pathogenic.